The following is an entry in ClinVar:

ClinVar aggregate classification (germline): Uncertain significance. Review status: criteria provided, multiple submitters, no conflicts (2 of 4 stars). 2 submissions from 2 submitters: Uncertain significance (2). Last evaluated 2025-03-20.

Conditions:
Inborn genetic diseases. Identifiers: MedGen C0950123, MeSH D030342.

Allele frequency attached by ClinVar (database versions not stated): gnomAD 0.00005; TOPMed 0.00007.
gnomAD v4.1: 35 of 1,613,900 alleles (0.0022%); highest among the groups gnomAD compares: Admixed American, 0.043%; no homozygotes.

Submissions (2):

Ambry Genetics
Classification: Uncertain significance for Inborn genetic diseases. Last evaluated: 2025-03-20. Review status: criteria provided, single submitter. Criteria: Ambry Variant Classification Scheme 2023. Collection method: clinical testing. Allele origin: germline.

GeneDx
Classification: Uncertain significance. Last evaluated: 2023-02-10. Review status: criteria provided, single submitter. Criteria: GeneDx Variant Classification Process June 2021. Collection method: clinical testing. Allele origin: germline. Affected: yes.
Comment: In silico analysis supports that this missense variant does not alter protein structure/function; Has not been previously published as pathogenic or benign to our knowledge

NM_004625.4(WNT7A):c.919A>T (p.Met307Leu)

Gene: WNT7A (Wnt family member 7A; minus strand). Cytogenetic location: 3p25.1.
Variant type: single nucleotide variant.
Coding change: c.919A>T on transcript NM_004625.4 (MANE Select); coding-DNA position 919, A replaced by T.
Protein change: p.Met307Leu; replaces methionine 307 with leucine.
Molecular consequence: missense variant.
Genome position (GRCh38, 1-based): chr3:13,819,075, T>A on the plus strand (A>T on the coding strand, the complement: WNT7A is on the minus strand). VCF-style: chr3-13819075-T-A. GRCh37 (hg19) VCF-style: chr3-13860572-T-A.
Other names: short protein forms M307L.
Identifiers: ClinVar variation 2348102 (VCV002348102.4), dbSNP rs761438329, ClinGen allele CA2266329.